The following is an entry in ClinVar:

ClinVar aggregate classification (germline): Uncertain significance (1 of 4 stars; one submission).

Submission:

CeGaT Center for Human Genetics Tuebingen
Classification: Uncertain significance. Last evaluated: 2022-12-01. Review status: criteria provided, single submitter. Criteria: CeGaT Center For Human Genetics Tuebingen Variant Classification Criteria Version 2. Collection method: clinical testing. Allele origin: germline. Affected: yes. Observed: 1 variant allele.
Comment: SLC25A22: PM2

NM_001191061.2(SLC25A22):c.605T>C (p.Val202Ala)

Gene: SLC25A22 (solute carrier family 25 member 22; minus strand). Cytogenetic location: 11p15.5.
Variant type: single nucleotide variant.
Coding change: c.605T>C on transcript NM_001191061.2 (MANE Select); coding-DNA position 605, T replaced by C.
Protein change: p.Val202Ala; replaces valine 202 with alanine.
Molecular consequence: missense variant.
Genome position (GRCh38, 1-based): chr11:792,441, A>G on the plus strand (T>C on the coding strand, the complement: SLC25A22 is on the minus strand). VCF-style: chr11-792441-A-G. GRCh37 (hg19) VCF-style: chr11-792441-A-G.
Other names: c.605T>C, p.Val202Ala (NM_001191060.2, NM_024698.6); short protein forms V202A.
Identifiers: ClinVar variation 1694580 (VCV001694580.31), dbSNP rs2133699974, ClinGen allele CA378969175.
Genomic context (GRCh38, chr11:792,441, plus strand): 5'-TTCTCCTCGGACGCCGGGCGGCCCAGCTGGTTCAGGTTGGCAAAGAGCGGGAAGTACACC[A>G]CAGAGAAGGGGACATCCCTGTGGGGAGGGAGGTGGCCGTGGGGACAGGAGGTGGTGGGGT-3'
Protein context (NP_001177990.1, residues 192-212): ATLLRDVPFS[Val202Ala]VYFPLFANLN